The following is an entry in ClinVar:

NM_032444.4(SLX4):c.1237G>C (p.Val413Leu)

Gene: SLX4 (SLX4 structure-specific endonuclease subunit; minus strand). Cytogenetic location: 16p13.3.
Variant type: single nucleotide variant.
Coding change: c.1237G>C on transcript NM_032444.4 (MANE Select); coding-DNA position 1237, G replaced by C.
Protein change: p.Val413Leu; replaces valine 413 with leucine.
Molecular consequence: missense variant.
Genome position (GRCh38, 1-based): chr16:3,597,926, C>G on the plus strand (G>C on the coding strand, the complement: SLX4 is on the minus strand). VCF-style: chr16-3597926-C-G. GRCh37 (hg19) VCF-style: chr16-3647927-C-G.
Other names: short protein forms V413L.
Identifiers: ClinVar variation 1983749 (VCV001983749.4), dbSNP rs771085776, ClinGen allele CA7866580.
Genomic context (GRCh38, chr16:3,597,926, plus strand): 5'-CCATCTCCGACCGGGACAGAGCCATGGCCACCAGCAGGTCCTCGGACGGTGCCTCGTCCA[C>G]CTTCCGCCTCTTCCGTGGCTCCTTCTTGCTGGTGGGTCCTCTCCGTTTCAGACCTCTACT-3'
Protein context (NP_115820.2, residues 403-423): SKKEPRKRRK[Val413Leu]DEAPSEDLLV

ClinVar aggregate classification (germline): Uncertain significance (1 of 4 stars; one submission).

Conditions:
Fanconi anemia (FA). Also called: Fanconi's anemia. Identifiers: Orphanet 84, MedGen C0015625, MeSH D005199, MONDO:0019391.

Allele frequency attached by ClinVar (database versions not stated): gnomAD exomes below 0.00001; ExAC 0.00001.
gnomAD v4.1: 7 of 1,614,174 alleles (0.00043%); highest among the groups gnomAD compares: Non-Finnish European, 0.00059%; no homozygotes.

Submission:

Labcorp Genetics (formerly Invitae), Labcorp
Classification: Uncertain significance for Fanconi anemia. Last evaluated: 2022-05-25. Review status: criteria provided, single submitter. Criteria: Invitae Variant Classification Sherloc (09022015). Collection method: clinical testing. Allele origin: germline.
Comment: In summary, the available evidence is currently insufficient to determine the role of this variant in disease. Therefore, it has been classified as a Variant of Uncertain Significance. Algorithms developed to predict the effect of missense changes on protein structure and function (SIFT, PolyPhen-2, Align-GVGD) all suggest that this variant is likely to be tolerated. This variant has not been reported in the literature in individuals affected with SLX4-related conditions. This variant is present in population databases (rs771085776, gnomAD 0.0009%). This sequence change replaces valine, which is neutral and non-polar, with leucine, which is neutral and non-polar, at codon 413 of the SLX4 protein (p.Val413Leu).